The following is an entry in ClinVar:

NM_005055.5(RAPSN):c.140G>A (p.Gly47Asp)

Gene: RAPSN (receptor associated protein of the synapse; minus strand). Cytogenetic location: 11p11.2.
Variant type: single nucleotide variant.
Coding change: c.140G>A on transcript NM_005055.5 (MANE Select); coding-DNA position 140, G replaced by A.
Protein change: p.Gly47Asp; replaces glycine 47 with aspartic acid.
Molecular consequence: missense variant.
Genome position (GRCh38, 1-based): chr11:47,448,825, C>T on the plus strand (G>A on the coding strand, the complement: RAPSN is on the minus strand). VCF-style: chr11-47448825-C-T. GRCh37 (hg19) VCF-style: chr11-47470377-C-T.
Other names: c.140G>A, p.Gly47Asp (NM_032645.5); short protein forms G47D.
Identifiers: ClinVar variation 878745 (VCV000878745.10), dbSNP rs201725858, ClinGen allele CA5976829.

ClinVar aggregate classification (germline): Uncertain significance. Review status: criteria provided, multiple submitters, no conflicts (2 of 4 stars). 6 submissions from 5 submitters: Uncertain significance (5). 1 of the submissions does not count toward it. Last evaluated 2024-10-29.

Conditions:
Congenital myasthenic syndrome 11. Also called: MYASTHENIC SYNDROME, CONGENITAL, Ie; Myasthenic syndrome, congenital, 11, associated with acetylcholine receptor deficiency. Identifiers: Orphanet 590, MedGen C4225367, MONDO:0014588, OMIM 616326.
Fetal akinesia deformation sequence 2. Identifiers: MedGen C4760576, MONDO:0100102, OMIM 618388.
Fetal akinesia deformation sequence 1 (FADS1). Also called: Fetal akinesia sequence; Pena-Shokeir syndrome type I. Identifiers: Orphanet 994, MedGen C1276035, MONDO:0100101, OMIM 208150, HP:0001989.
Congenital myasthenic syndrome (CMS). Also called: Congenital Myasthenic Syndromes. Identifiers: Orphanet 590, MedGen C0751882, MeSH D020294, MONDO:0018940.

Allele frequency attached by ClinVar (database versions not stated): gnomAD exomes 0.00003 and 0.00024; ExAC 0.00004; gnomAD 0.00004 and 0.00010; TOPMed 0.00004; 1000 Genomes Project 30x 0.00031; 1000 Genomes Project 0.00040.
gnomAD v4.1: 359 of 1,613,694 alleles (0.022%); highest among the groups gnomAD compares: East Asian, 0.78%; 1 homozygote.

Submissions (6):

Labcorp Genetics (formerly Invitae), Labcorp
Classification: Uncertain significance for Congenital myasthenic syndrome 11; Fetal akinesia deformation sequence 1. Last evaluated: 2024-10-29. Review status: criteria provided, single submitter. Criteria: Invitae Variant Classification Sherloc (09022015). Collection method: clinical testing. Allele origin: germline.
Comment: This sequence change replaces glycine, which is neutral and non-polar, with aspartic acid, which is acidic and polar, at codon 47 of the RAPSN protein (p.Gly47Asp). This variant is present in population databases (rs201725858, gnomAD 0.04%). This variant has not been reported in the literature in individuals affected with RAPSN-related conditions. ClinVar contains an entry for this variant (Variation ID: 878745). Invitae Evidence Modeling of protein sequence and biophysical properties (such as structural, functional, and spatial information, amino acid conservation, physicochemical variation, residue mobility, and thermodynamic stability) indicates that this missense variant is expected to disrupt RAPSN protein function with a positive predictive value of 95%. In summary, the available evidence is currently insufficient to determine the role of this variant in disease. Therefore, it has been classified as a Variant of Uncertain Significance.

Fulgent Genetics
Classification: Uncertain significance for Congenital myasthenic syndrome 11; Fetal akinesia deformation sequence 2. Last evaluated: 2024-04-04. Review status: criteria provided, single submitter. Criteria: ACMG Guidelines, 2015. Collection method: clinical testing. Allele origin: germline.

Revvity Omics, Revvity
Classification: Uncertain significance. Last evaluated: 2023-05-25. Review status: criteria provided, single submitter. Criteria: ACMG Guidelines, 2015. Collection method: clinical testing. Allele origin: germline.

Illumina Laboratory Services, Illumina
Classification: Uncertain significance for Congenital myasthenic syndrome 11. Last evaluated: 2017-04-27. Review status: criteria provided, single submitter. Criteria: ICSL Variant Classification Criteria 13 December 2019. Collection method: clinical testing. Allele origin: germline.

Illumina Laboratory Services, Illumina
Classification: Uncertain significance for Fetal akinesia deformation sequence 1. Last evaluated: 2017-04-27. Review status: criteria provided, single submitter. Criteria: ICSL Variant Classification Criteria 13 December 2019. Collection method: clinical testing. Allele origin: germline.

Natera, Inc.
Classification: Uncertain significance for Congenital myasthenic syndrome. Last evaluated: 2020-04-14. Review status: no assertion criteria provided. Collection method: clinical testing. Allele origin: germline. Not counted in ClinVar's aggregate classification.